The following is an entry in ClinVar:

ClinVar aggregate classification (germline): Uncertain significance (1 of 4 stars; one submission).

Conditions:
Glycogen storage disease type III (GSD3). Also called: Cori disease; FORBES DISEASE. Identifiers: Orphanet 366, MedGen C0017922, MONDO:0009291, OMIM 232400.

Allele frequency attached by ClinVar (database versions not stated): gnomAD exomes below 0.00001.
gnomAD v4.1: 1 of 1,569,830 alleles (0.000064%); highest among the groups gnomAD compares: Non-Finnish European, 0.000087%; no homozygotes.

Submission:

Labcorp Genetics (formerly Invitae), Labcorp
Classification: Uncertain significance for Glycogen storage disease type III. Last evaluated: 2022-09-07. Review status: criteria provided, single submitter. Criteria: Invitae Variant Classification Sherloc (09022015). Collection method: clinical testing. Allele origin: germline.
Comment: This sequence change falls in intron 10 of the AGL gene. It does not directly change the encoded amino acid sequence of the AGL protein. It affects a nucleotide within the consensus splice site. This variant is not present in population databases (gnomAD no frequency). This variant has not been reported in the literature in individuals affected with AGL-related conditions. Variants that disrupt the consensus splice site are a relatively common cause of aberrant splicing (PMID: 17576681, 9536098). Algorithms developed to predict the effect of sequence changes on RNA splicing suggest that this variant is not likely to affect RNA splicing. In summary, the available evidence is currently insufficient to determine the role of this variant in disease. Therefore, it has been classified as a Variant of Uncertain Significance.

Literature cited by the submitters: PubMed 17576681; PubMed 9536098.

NM_000642.3(AGL):c.1284-3T>C

Gene: AGL (amylo-alpha-1,6-glucosidase and 4-alpha-glucanotransferase; plus strand). Cytogenetic location: 1p21.2.
Variant type: single nucleotide variant.
Coding change: c.1284-3T>C on transcript NM_000642.3 (MANE Select); 3 bases into the intron before coding-DNA position 1284, T replaced by C.
Molecular consequence: intron variant.
Genome position (GRCh38, 1-based): chr1:99,876,455, T>C. VCF-style: chr1-99876455-T-C. GRCh37 (hg19) VCF-style: chr1-100342011-T-C.
Other names: c.1284-3T>C (NM_000643.3, NM_000644.3, NM_001425326.1 and 2 more transcripts); c.1236-3T>C (NM_000646.3); c.1083-3T>C (NM_001425327.1); c.1080-3T>C (NM_001425328.1, NM_001425329.1); c.906-3T>C (NM_001425332.1).
Identifiers: ClinVar variation 2151503 (VCV002151503.1), dbSNP rs2524609924, ClinGen allele CA2574444449.